The following is an entry in ClinVar:

ClinVar aggregate classification (germline): Uncertain significance. Review status: criteria provided, multiple submitters, no conflicts (2 of 4 stars). 2 submissions from 2 submitters: Uncertain significance (2). Last evaluated 2024-01-29.

Conditions:
Supravalvar aortic stenosis (SVAS). Also called: Supravalvar aortic stenosis, Eisenberg type. Identifiers: Orphanet 3193, MedGen C0003499, MONDO:0008504, OMIM 185500, HP:0004381.

Allele frequency attached by ClinVar (database versions not stated): gnomAD 0.00001; gnomAD exomes 0.00001; TOPMed 0.00002.
gnomAD v4.1: 7 of 1,613,836 alleles (0.00043%); highest among the groups gnomAD compares: Non-Finnish European, 0.00059%; no homozygotes.

Submissions (2):

Labcorp Genetics (formerly Invitae), Labcorp
Classification: Uncertain significance for Supravalvar aortic stenosis. Last evaluated: 2024-01-29. Review status: criteria provided, single submitter. Criteria: Invitae Variant Classification Sherloc (09022015). Collection method: clinical testing. Allele origin: germline.
Comment: This sequence change replaces proline, which is neutral and non-polar, with serine, which is neutral and polar, at codon 337 of the ELN protein (p.Pro337Ser). This variant is not present in population databases (gnomAD no frequency). This variant has not been reported in the literature in individuals affected with ELN-related conditions. ClinVar contains an entry for this variant (Variation ID: 1312030). Advanced modeling of protein sequence and biophysical properties (such as structural, functional, and spatial information, amino acid conservation, physicochemical variation, residue mobility, and thermodynamic stability) performed at Invitae indicates that this missense variant is not expected to disrupt ELN protein function with a negative predictive value of 80%. In summary, the available evidence is currently insufficient to determine the role of this variant in disease. Therefore, it has been classified as a Variant of Uncertain Significance.

GeneDx
Classification: Uncertain significance. Last evaluated: 2020-01-17. Review status: criteria provided, single submitter. Criteria: GeneDx Variant Classification Process June 2021. Collection method: clinical testing. Allele origin: germline. Affected: yes.
Comment: Has not been previously published as pathogenic or benign to our knowledge; Not observed in large population cohorts (Lek et al., 2016); In silico analysis, which includes protein predictors and evolutionary conservation, supports a deleterious effect

NM_000501.4(ELN):c.1009C>T (p.Pro337Ser)

Gene: ELN (elastin; plus strand). Cytogenetic location: 7q11.23.
Variant type: single nucleotide variant.
Coding change: c.1009C>T on transcript NM_000501.4 (MANE Select); coding-DNA position 1009, C replaced by T.
Protein change: p.Pro337Ser; replaces proline 337 with serine.
Molecular consequence: missense variant.
Genome position (GRCh38, 1-based): chr7:74,053,222, C>T. VCF-style: chr7-74053222-C-T. GRCh37 (hg19) VCF-style: chr7-73467552-C-T.
Other names: c.979C>T, p.Pro327Ser (NM_001081752.3, NM_001278917.2); c.1024C>T, p.Pro342Ser (NM_001081753.3, NM_001081754.3); c.1009C>T, p.Pro337Ser (NM_001081755.3, NM_001278912.2, NM_001278915.2 and 1 more transcripts); c.901C>T, p.Pro301Ser (NM_001278913.2); c.994C>T, p.Pro332Ser (NM_001278914.2); c.967C>T, p.Pro323Ser (NM_001278916.2); c.877C>T, p.Pro293Ser (NM_001278918.2); short protein forms P293S, P301S, P323S, P327S, P332S, P337S, P342S.
Identifiers: ClinVar variation 1312030 (VCV001312030.5), dbSNP rs1340826777, ClinGen allele CA367871822.
Genomic context (GRCh38, chr7:74,053,222, plus strand): 5'-GGAGCTGCTGCAGGCTTAGTGCCTGGTGGGCCAGGCTTTGGCCCGGGAGTAGTTGGTGTC[C>T]CAGGAGCTGGCGTTCCAGGTGTTGGTGTCCCAGGAGCTGGGATTCCAGTTGTCCCAGGTG-3'
Protein context (NP_000492.2, residues 327-347): PGFGPGVVGV[Pro337Ser]GAGVPGVGVP